The following is an entry in ClinVar:

ClinVar aggregate classification (germline): Uncertain significance (1 of 4 stars; one submission).

Conditions:
Cardiovascular phenotype. Identifiers: MedGen CN230736.

Submission:

Ambry Genetics
Classification: Uncertain significance for Cardiovascular phenotype. Last evaluated: 2026-02-22. Review status: criteria provided, single submitter. Criteria: Ambry Variant Classification Scheme 2023. Collection method: clinical testing. Allele origin: germline.
Comment: The p.F677L variant (also known as c.2031T>G), located in coding exon 12 of the SOS1 gene, results from a T to G substitution at nucleotide position 2031. The phenylalanine at codon 677 is replaced by leucine, an amino acid with highly similar properties. This amino acid position is conserved. In addition, this alteration is predicted to be tolerated by in silico analysis. Based on the available evidence, the clinical significance of this variant remains unclear.

NM_005633.4(SOS1):c.2031T>G (p.Phe677Leu)

Gene: SOS1 (SOS Ras/Rac guanine nucleotide exchange factor 1; minus strand). Cytogenetic location: 2p22.1.
Variant type: single nucleotide variant.
Coding change: c.2031T>G on transcript NM_005633.4 (MANE Select); coding-DNA position 2031, T replaced by G.
Protein change: p.Phe677Leu; replaces phenylalanine 677 with leucine.
Molecular consequence: missense variant.
Genome position (GRCh38, 1-based): chr2:39,013,899, A>C on the plus strand (T>G on the coding strand, the complement: SOS1 is on the minus strand). VCF-style: chr2-39013899-A-C. GRCh37 (hg19) VCF-style: chr2-39241040-A-C.
Other names: c.2010T>G, p.Phe670Leu (NM_001382394.1); c.2031T>G, p.Phe677Leu (NM_001382395.1); short protein forms F677L, F670L.
Identifiers: ClinVar variation 4827546 (VCV004827546.1).